The following is an entry in ClinVar:

NM_000341.4(SLC3A1):c.1809A>C (p.Thr603=)

Genes: PREPL (prolyl endopeptidase like; minus strand), SLC3A1 (solute carrier family 3 member 1; plus strand). Cytogenetic location: 2p21.
Variant type: single nucleotide variant.
Coding change: c.1809A>C on transcript NM_000341.4 (MANE Select); coding-DNA position 1809, A replaced by C.
Protein change: p.Thr603=; no amino-acid change (threonine 603 retained).
Molecular consequence: synonymous variant. On other transcripts: 3 prime UTR variant (10).
Genome position (GRCh38, 1-based): chr2:44,320,390, A>C. VCF-style: chr2-44320390-A-C. GRCh37 (hg19) VCF-style: chr2-44547529-A-C.
Other names: c.*966T>G (NM_001042385.2, NM_001042386.2, NM_001171603.1 and 7 more transcripts).
Identifiers: ClinVar variation 791071 (VCV000791071.5), dbSNP rs746978183, ClinGen allele CA1640765.
Genomic context (GRCh38, chr2:44,320,390, plus strand): 5'-AAGAGAGCTGGATGGCATCGACAGAATCTTTATCGTGGTTCTGAATTTTGGAGAATCAAC[A>C]CTGTTAAATCTACATAATATGATTTCGGGCCTTCCCGCTAAAATGAGAATAAGGTTAAGT-3'
Protein context (NP_000332.2, residues 593-613): FIVVLNFGES[Thr603=]LLNLHNMISG

ClinVar aggregate classification (germline): Likely benign. Review status: criteria provided, multiple submitters, no conflicts (2 of 4 stars). 3 submissions from 3 submitters: Likely benign (3). Last evaluated 2026-03-10.

Conditions:
SLC3A1-related disorder. Also called: SLC3A1-related condition.
Cystinuria (CSNU). Also called: CYSTINURIA, TYPE I; CYSTINURIA, TYPE II; CYSTINURIA, TYPE III; Cystinuria, non-type I. Identifiers: Orphanet 214, MedGen C0010691, MONDO:0009067, OMIM 220100, HP:0003131.

Allele frequency attached by ClinVar (database versions not stated): TOPMed 0.00003; gnomAD exomes 0.00005; ExAC 0.00007; gnomAD 0.00002.
gnomAD v4.1: 147 of 1,613,970 alleles (0.0091%); highest among the groups gnomAD compares: Non-Finnish European, 0.012%; no homozygotes.

Submissions (3):

PreventionGenetics, part of Exact Sciences
Classification: Likely benign for SLC3A1-related condition. Last evaluated: 2026-03-10. Review status: criteria provided, single submitter. Criteria: ACMG Guidelines, 2015. Collection method: clinical testing. Allele origin: germline.
Comment: This variant is classified as likely benign based on ACMG/AMP sequence variant interpretation guidelines (Richards et al. 2015 PMID: 25741868, with internal and published modifications).

Fulgent Genetics
Classification: Likely benign for Cystinuria. Last evaluated: 2022-02-09. Review status: criteria provided, single submitter. Criteria: ACMG Guidelines, 2015. Collection method: clinical testing. Allele origin: unknown.

Labcorp Genetics (formerly Invitae), Labcorp
Classification: Likely benign. Last evaluated: 2018-06-08. Review status: criteria provided, single submitter. Criteria: Invitae Variant Classification Sherloc (09022015). Collection method: clinical testing. Allele origin: germline.